The following is an entry in ClinVar:

ClinVar aggregate classification (germline): Likely benign. Review status: criteria provided, multiple submitters, no conflicts (2 of 4 stars). 3 submissions from 3 submitters: Likely benign (2). 1 of the submissions does not count toward it. Last evaluated 2024-09-16.

Conditions:
ITPR1-related disorder. Also called: ITPR1-related condition.

Allele frequency attached by ClinVar (database versions not stated): ExAC 0.00003; TOPMed 0.00003; gnomAD 0.00005.
gnomAD v4.1: 65 of 1,613,642 alleles (0.004%); highest among the groups gnomAD compares: Non-Finnish European, 0.005%; no homozygotes.

Submissions (3):

Labcorp Genetics (formerly Invitae), Labcorp
Classification: Likely benign. Last evaluated: 2024-09-16. Review status: criteria provided, single submitter. Criteria: Invitae Variant Classification Sherloc (09022015). Collection method: clinical testing. Allele origin: germline.

Athena Diagnostics
Classification: Likely benign. Last evaluated: 2024-08-30. Review status: criteria provided, single submitter. Criteria: Athena Diagnostics Criteria. Collection method: clinical testing. Allele origin: unknown.

PreventionGenetics, part of Exact Sciences
Classification: Likely benign for ITPR1-related condition. Last evaluated: 2024-03-15. Review status: no assertion criteria provided. Collection method: clinical testing. Allele origin: germline. Not counted in ClinVar's aggregate classification.
Comment: This variant is classified as likely benign based on ACMG/AMP sequence variant interpretation guidelines (Richards et al. 2015 PMID: 25741868, with internal and published modifications).

NM_001378452.1(ITPR1):c.4245C>T (p.Ile1415=)

Gene: ITPR1 (inositol 1,4,5-trisphosphate receptor type 1; plus strand). Cytogenetic location: 3p26.1.
Variant type: single nucleotide variant.
Coding change: c.4245C>T on transcript NM_001378452.1 (MANE Select); coding-DNA position 4245, C replaced by T.
Protein change: p.Ile1415=; no amino-acid change (isoleucine 1415 retained).
Molecular consequence: synonymous variant.
Genome position (GRCh38, 1-based): chr3:4,693,705, C>T. VCF-style: chr3-4693705-C-T. GRCh37 (hg19) VCF-style: chr3-4735389-C-T.
Other names: c.4200C>T (NM_001168272.1); c.4218C>T, p.Ile1406= (NM_001099952.4); c.4200C>T, p.Ile1400= (NM_001168272.2); c.4173C>T, p.Ile1391= (NM_002222.7); c.4173C>T (NM_002222.5).
Identifiers: ClinVar variation 2891320 (VCV002891320.5), dbSNP rs764828430, ClinGen allele CA2231916.